The following is an entry in ClinVar:

NM_000353.3(TAT):c.1298G>A (p.Arg433Gln)

Genes: TAT (tyrosine aminotransferase; minus strand), TAT-AS1 (TAT antisense RNA 1; plus strand). Cytogenetic location: 16q22.2.
Variant type: single nucleotide variant.
Coding change: c.1298G>A on transcript NM_000353.3 (MANE Select); coding-DNA position 1298, G replaced by A.
Protein change: p.Arg433Gln; replaces arginine 433 with glutamine.
Molecular consequence: missense variant.
Genome position (GRCh38, 1-based): chr16:71,568,211, C>T on the plus strand (G>A on the coding strand, the complement: TAT is on the minus strand). VCF-style: chr16-71568211-C-T. GRCh37 (hg19) VCF-style: chr16-71602114-C-T.
Other names: short protein forms R433Q.
Identifiers: ClinVar variation 550347 (VCV000550347.16), dbSNP rs775488556, ClinGen allele CA8153718.

ClinVar aggregate classification (germline): Likely pathogenic. Review status: criteria provided, multiple submitters, no conflicts (2 of 4 stars). 4 submissions from 4 submitters: Likely pathogenic (3). 1 of the submissions does not count toward it. Last evaluated 2024-10-14.

Conditions:
Tyrosinemia type II (TYRSN2). Also called: KERATOSIS PALMOPLANTARIS WITH CORNEAL DYSTROPHY; OREGON TYPE TYROSINEMIA; TAT DEFICIENCY; TYROSINE AMINOTRANSFERASE DEFICIENCY; TYROSINE TRANSAMINASE DEFICIENCY. Identifiers: Orphanet 28378, MedGen C0268487, MONDO:0010160, OMIM 276600.

Allele frequency attached by ClinVar (database versions not stated): gnomAD exomes 0.00004 and 0.00003; ExAC 0.00001; gnomAD 0.00001; TOPMed 0.00003.
gnomAD v4.1: 64 of 1,614,090 alleles (0.004%); highest among the groups gnomAD compares: Non-Finnish European, 0.0049%; no homozygotes.

Submissions (4):

Labcorp Genetics (formerly Invitae), Labcorp
Classification: Likely pathogenic for Tyrosinemia type II. Last evaluated: 2024-10-14. Review status: criteria provided, single submitter. Criteria: Invitae Variant Classification Sherloc (09022015). Collection method: clinical testing. Allele origin: germline.
Comment: This sequence change replaces arginine, which is basic and polar, with glutamine, which is neutral and polar, at codon 433 of the TAT protein (p.Arg433Gln). This variant is present in population databases (rs775488556, gnomAD 0.006%). This missense change has been observed in individual(s) with tyrosinemia type II (PMID: 9544843). In at least one individual the data is consistent with being in trans (on the opposite chromosome) from a pathogenic variant. It has also been observed to segregate with disease in related individuals. ClinVar contains an entry for this variant (Variation ID: 550347). Invitae Evidence Modeling of protein sequence and biophysical properties (such as structural, functional, and spatial information, amino acid conservation, physicochemical variation, residue mobility, and thermodynamic stability) indicates that this missense variant is expected to disrupt TAT protein function with a positive predictive value of 80%. Experimental studies have shown that this missense change affects TAT function (PMID: 9544843). This variant disrupts the p.Arg433 amino acid residue in TAT. Other variant(s) that disrupt this residue have been observed in individuals with TAT-related conditions (PMID: 9544843), which suggests that this may be a clinically significant amino acid residue. In summary, the currently available evidence indicates that the variant is pathogenic, but additional data are needed to prove that conclusively. Therefore, this variant has been classified as Likely Pathogenic.

Women's Health and Genetics/Laboratory Corporation of America, LabCorp
Classification: Likely pathogenic for Tyrosinemia type II. Last evaluated: 2022-05-13. Review status: criteria provided, single submitter. Criteria: LabCorp Variant Classification Summary - May 2015. Collection method: clinical testing. Allele origin: germline.
Comment: Variant summary: TAT c.1298G>A (p.Arg433Gln) results in a conservative amino acid change located in the Aminotransferase, class I/class II domain (IPR004839) of the encoded protein sequence. Four of five in-silico tools predict a damaging effect of the variant on protein function. The variant allele was found at a frequency of 2.8e-05 in 251422 control chromosomes. c.1298G>A has been reported in the literature as a compound heterozygous genotype in at-least two individuals affected with Tyrosinemia Type 2 who continue to be cited in subsequent reports (example, Huhn_1998, Pena-Quintana_2017). These data indicate that the variant may be associated with disease. At least one publication reports experimental evidence evaluating an impact on protein function (Huhn_1998). The most pronounced variant effect results in a drastically reduced TAT enzyme activity in-vitro when compared with the GST-TAT wild type construct. Two clinical diagnostic laboratories have submitted clinical-significance assessments for this variant to ClinVar after 2014. One laboratory classified the variant as likely pathogenic and one laboratory classified the variant as uncertain significance citing overlapping evidence utilized in the context of this evaluation. Based on the evidence outlined above, the variant was classified as likely pathogenic.

Kariminejad - Najmabadi Pathology & Genetics Center
Classification: Likely pathogenic for Tyrosinemia type II. Review status: criteria provided, single submitter. Criteria: ACMG Guidelines, 2015. Collection method: clinical testing. Allele origin: germline. Affected: no.

Counsyl
Classification: Uncertain significance for Tyrosinemia type II. Last evaluated: 2017-01-13. Review status: no assertion criteria provided. Collection method: clinical testing. Allele origin: unknown. Not counted in ClinVar's aggregate classification.

Literature cited by the submitters: PubMed 9544843 (cited by 3 submitters); PubMed 28255985 (cited by Women's Health and Genetics/Laboratory Corporation of America, LabCorp).